The following is an entry in ClinVar:

ClinVar aggregate classification (germline): Likely pathogenic. Review status: criteria provided, multiple submitters, no conflicts (2 of 4 stars). 2 submissions from 2 submitters: Likely pathogenic (2). Last evaluated 2026-01-25.

Conditions:
Lethal congenital contracture syndrome 1 (LCCS1). Also called: MULTIPLE CONTRACTURE SYNDROME, FINNISH TYPE. Identifiers: Orphanet 1486, MedGen C1854664, MONDO:0009670, OMIM 253310.
Lethal arthrogryposis-anterior horn cell disease syndrome (CAAHD). Also called: CONGENITAL ARTHROGRYPOSIS WITH ANTERIOR HORN CELL DISEASE. Identifiers: Orphanet 53696, MedGen C5193016, MONDO:0012750, OMIM 611890.
Lethal congenital contractural syndrome Finnish type.

Submissions (2):

Natera, Inc.
Classification: Likely pathogenic for Lethal congenital contractural syndrome Finnish type. Last evaluated: 2026-01-25. Review status: criteria provided, single submitter. Criteria: Natera Variant Classification Schema (03/2026). Collection method: clinical testing. Allele origin: germline.
Comment: The c.2015dup variant in GLE1 is a frameshift variant predicted to elongate the protein beyond the termination codon. This variant is expected to result in nonsense mediated decay, truncation, or a dysfunctional protein product. This variant is rare in the general population with a frequency below the threshold expected for the associated phenotype(s). Given the available evidence, this variant is classified as Likely Pathogenic.

Fulgent Genetics
Classification: Likely pathogenic for Lethal congenital contracture syndrome 1; Lethal arthrogryposis-anterior horn cell disease syndrome. Last evaluated: 2024-01-23. Review status: criteria provided, single submitter. Criteria: ACMG Guidelines, 2015. Collection method: clinical testing. Allele origin: germline.

NM_001003722.2(GLE1):c.2015dup (p.Gln673fs)

Genes: GLE1 (GLE1 RNA export mediator; plus strand), LOC101929270 (uncharacterized LOC101929270; minus strand). Cytogenetic location: 9q34.11.
Variant type: Duplication.
Coding change: c.2015dup on transcript NM_001003722.2 (MANE Select); coding-DNA position 2015, one base duplicated (A; older notation c.2015dupA).
Protein change: p.Gln673fs; shifts the reading frame from glutamine 673.
Molecular consequence: frameshift variant.
Genome position (GRCh38, 1-based): chr9:128,540,325, A duplicated; the last of 2 consecutive A bases (chr9:128,540,324-128,540,325); duplicating either gives the same sequence. VCF-style (leftmost placement, unchanged base first): chr9-128540323-C-CA. GRCh37 (hg19) VCF-style: chr9-131302602-C-CA.
Other names: c.2042dup, p.Gln682fs (NM_001411013.1); short protein forms Q673fs, Q682fs.
Identifiers: ClinVar variation 3596473 (VCV003596473.2).